The following is an entry in ClinVar:

ClinVar aggregate classification (germline): Uncertain significance (1 of 4 stars; one submission).

Allele frequency attached by ClinVar (database versions not stated): TOPMed 0.00002; gnomAD exomes 0.00003; ExAC 0.00007.
gnomAD v4.1: 40 of 1,613,950 alleles (0.0025%); highest among the groups gnomAD compares: East Asian, 0.053%; no homozygotes.

Submission:

Labcorp Genetics (formerly Invitae), Labcorp
Classification: Uncertain significance. Last evaluated: 2022-10-07. Review status: criteria provided, single submitter. Criteria: Invitae Variant Classification Sherloc (09022015). Collection method: clinical testing. Allele origin: germline.
Comment: This sequence change replaces aspartic acid, which is acidic and polar, with asparagine, which is neutral and polar, at codon 300 of the MATN3 protein (p.Asp300Asn). This variant is present in population databases (rs751324206, gnomAD 0.03%). This variant has not been reported in the literature in individuals affected with MATN3-related conditions. Advanced modeling of protein sequence and biophysical properties (such as structural, functional, and spatial information, amino acid conservation, physicochemical variation, residue mobility, and thermodynamic stability) performed at Invitae indicates that this missense variant is not expected to disrupt MATN3 protein function. In summary, the available evidence is currently insufficient to determine the role of this variant in disease. Therefore, it has been classified as a Variant of Uncertain Significance.

NM_002381.5(MATN3):c.898G>A (p.Asp300Asn)

Genes: MATN3 (matrilin 3; minus strand), WDR35-DT (WDR35 divergent transcript; plus strand). Cytogenetic location: 2p24.1.
Variant type: single nucleotide variant.
Coding change: c.898G>A on transcript NM_002381.5 (MANE Select); coding-DNA position 898, G replaced by A.
Protein change: p.Asp300Asn; replaces aspartic acid 300 with asparagine.
Molecular consequence: missense variant.
Genome position (GRCh38, 1-based): chr2:20,003,179, C>T on the plus strand (G>A on the coding strand, the complement: MATN3 is on the minus strand). VCF-style: chr2-20003179-C-T. GRCh37 (hg19) VCF-style: chr2-20202940-C-T.
Other names: short protein forms D300N.
Identifiers: ClinVar variation 1931936 (VCV001931936.5), dbSNP rs751324206, ClinGen allele CA1543866.